The following is an entry in ClinVar:

NM_024809.5(TCTN2):c.1770-10T>C

Gene: TCTN2 (tectonic family member 2; plus strand). Cytogenetic location: 12q24.31.
Variant type: single nucleotide variant.
Coding change: c.1770-10T>C on transcript NM_024809.5 (MANE Select); 10 bases into the intron before coding-DNA position 1770, T replaced by C.
Molecular consequence: intron variant.
Genome position (GRCh38, 1-based): chr12:123,706,716, T>C. VCF-style: chr12-123706716-T-C. GRCh37 (hg19) VCF-style: chr12-124191263-T-C.
Other names: c.1635-10T>C (NM_001410989.1); c.1767-10T>C (NM_001143850.3).
Identifiers: ClinVar variation 3054101 (VCV003054101.2), dbSNP rs2541810445, ClinGen allele CA2740097624.

ClinVar aggregate classification (germline): Likely benign (0 of 4 stars; one submission).

Conditions:
TCTN2-related disorder. Also called: TCTN2-related disorders; TCTN2-related condition. Identifiers: MedGen CN239412.

Submission:

PreventionGenetics, part of Exact Sciences
Classification: Likely benign for TCTN2-related condition. Last evaluated: 2022-06-10. Review status: no assertion criteria provided. Collection method: clinical testing. Allele origin: germline.
Comment: This variant is classified as likely benign based on ACMG/AMP sequence variant interpretation guidelines (Richards et al. 2015 PMID: 25741868, with internal and published modifications).